The following is an entry in ClinVar:

NM_000038.6(APC):c.1409-1G>C

Gene: APC (APC regulator of Wnt signaling pathway; plus strand). Cytogenetic location: 5q22.2.
Variant type: single nucleotide variant.
Coding change: c.1409-1G>C on transcript NM_000038.6 (MANE Select); the canonical splice acceptor site of the intron before coding-DNA position 1409, G replaced by C.
Molecular consequence: splice acceptor variant.
Genome position (GRCh38, 1-based): chr5:112,827,107, G>C. VCF-style: chr5-112827107-G-C. GRCh37 (hg19) VCF-style: chr5-112162804-G-C.
Other names: c.560-1G>C (NM_001407470.1, NM_001354906.2); c.257-1G>C (NM_001407472.1, NM_001407471.1); c.1463-1G>C (NM_001407447.1, NM_001407448.1, NM_001407449.1 and 1 more transcripts); c.1409-1G>C (NM_001354895.2, NM_001407450.1, NM_001127510.3 and 1 more transcripts); c.1160-1G>C (NM_001407456.1, NM_001407457.1, NM_001407455.1 and 1 more transcripts); c.1106-1G>C (NM_001407460.1, NM_001407458.1, NM_001407459.1 and 1 more transcripts); c.1379-1G>C (NM_001407452.1); c.1022-1G>C (NM_001407469.1, NM_001407467.1); and 11 more.
Identifiers: ClinVar variation 1068153 (VCV001068153.13), dbSNP rs863225313, ClinGen allele CA360619891.
Genomic context (GRCh38, chr5:112,827,107, plus strand): 5'-TTGGTACCAGTTTGTTTTATTTTAGATGATTGTCTTTTTCCTCTTGCCCTTTTTAAATTA[G>C]GGGGACTACAGGCCATTGCAGAATTATTGCAAGTGGACTGTGAAATGTATGGGCTTACTA-3'

ClinVar aggregate classification (germline): Pathogenic/Likely pathogenic. Review status: criteria provided, multiple submitters, no conflicts (2 of 4 stars). 4 submissions from 4 submitters: Pathogenic (1); Likely pathogenic (3). Last evaluated 2026-06-29.

Conditions:
Hereditary cancer-predisposing syndrome. Also called: Tumor predisposition; Hereditary Cancer Syndrome; Hereditary neoplastic syndrome; Neoplastic Syndromes, Hereditary. Identifiers: Orphanet 140162, MedGen C0027672, MeSH D009386, MONDO:0015356.
Familial adenomatous polyposis 1 (FAP1). Also called: POLYPOSIS, ADENOMATOUS INTESTINAL; FAMILIAL ADENOMATOUS POLYPOSIS 1, ATTENUATED. Identifiers: MedGen C2713442, MONDO:0021056, OMIM 175100. Disease mechanism: loss of function.
Classic or attenuated familial adenomatous polyposis. Identifiers: MedGen CN372698, MONDO:0021057.

Submissions (4):

Ambry Genetics
Classification: Likely pathogenic for Hereditary cancer-predisposing syndrome. Last evaluated: 2026-06-29. Review status: criteria provided, single submitter. Criteria: Ambry Variant Classification Scheme 2023. Collection method: clinical testing. Allele origin: germline.
Comment: The c.1409-1G>C intronic variant results from a G to C substitution one nucleotide upstream from coding exon 11 of the APC gene. This variant was reported in individuals with features consistent with familial adenomatous polyposis (Ambry internal data). This nucleotide position is highly conserved in available vertebrate species. In silico splice site analysis predicts that this alteration will weaken the native splice acceptor site and will result in the creation or strengthening of a novel splice acceptor site. RNA studies have demonstrated that this variant results in abnormal splicing in the set of samples tested (Ambry internal data). Based on the majority of available evidence to date, this variant is likely to be pathogenic.

All of Us Research Program, National Institutes of Health
Classification: Likely pathogenic for Classic or attenuated familial adenomatous polyposis. Last evaluated: 2024-03-24. Review status: criteria provided, single submitter. Criteria: ACMG Guidelines, 2015. Collection method: clinical testing. Allele origin: germline. Inheritance: Autosomal dominant inheritance. Observed: 1 variant allele, 1 heterozygote.
Comment: This variant causes a G to C nucleotide substitution at the -1 position in intron 11 of the APC gene. Splice site prediction tools suggest that this variant may have a significant impact on RNA splicing. Although this prediction has not been confirmed in published RNA studies, this variant is expected to result in an absent or disrupted protein product. This variant has not been reported in individuals affected with APC-related disorders in the literature. Different variants impacting the same canonical acceptor site, c.1409-1G>T, c.1409-1G>A, c.1409-2A>G, and c.1409-2A>T, are known to be disease-causing (ClinVar variation ID: 217927, 433621, 517442, 490202). This variant has not been identified in the general population by the Genome Aggregation Database (gnomAD). Based on the available evidence, this variant is classified as Likely Pathogenic.

This study involves interpretation of variants in research participants for the purpose of population health screening. Participant phenotype was not available at the time of variant classification. Additional details can be found in publication PMID: 35346344, PMCID: PMC8962531

Labcorp Genetics (formerly Invitae), Labcorp
Classification: Pathogenic for Familial adenomatous polyposis 1. Last evaluated: 2023-12-05. Review status: criteria provided, single submitter. Criteria: Invitae Variant Classification Sherloc (09022015). Collection method: clinical testing. Allele origin: germline.
Comment: This sequence change affects an acceptor splice site in intron 11 of the APC gene. It is expected to disrupt RNA splicing. Variants that disrupt the donor or acceptor splice site typically lead to a loss of protein function (PMID: 16199547), and loss-of-function variants in APC are known to be pathogenic (PMID: 17963004, 20685668). This variant is not present in population databases (gnomAD no frequency). Disruption of this splice site has been observed in individuals with familial adenomatous polyposis (PMID: 9950360, 10612827, 15459959, 19036155; Invitae). ClinVar contains an entry for this variant (Variation ID: 1068153). Algorithms developed to predict the effect of sequence changes on RNA splicing suggest that this variant may disrupt the consensus splice site. For these reasons, this variant has been classified as Pathogenic.

Myriad Genetics, Inc.
Classification: Likely pathogenic for Familial adenomatous polyposis 1. Last evaluated: 2023-05-01. Review status: criteria provided, single submitter. Criteria: Myriad Autosomal Dominant, Autosomal Recessive and X-Linked Classification Criteria (2023). Collection method: clinical testing. Allele origin: unknown.
Comment: This variant is considered likely pathogenic. This variant occurs within a consensus splice junction and is predicted to result in abnormal mRNA splicing of either an out-of-frame exon or an in-frame exon necessary for protein stability and/or normal function.

Literature cited by the submitters: PubMed 16199547 (cited by Labcorp Genetics (formerly Invitae), Labcorp); PubMed 17963004 (cited by Labcorp Genetics (formerly Invitae), Labcorp); PubMed 20685668 (cited by Labcorp Genetics (formerly Invitae), Labcorp); PubMed 9950360 (cited by Labcorp Genetics (formerly Invitae), Labcorp); PubMed 10612827 (cited by Labcorp Genetics (formerly Invitae), Labcorp); PubMed 15459959 (cited by Labcorp Genetics (formerly Invitae), Labcorp); PubMed 19036155 (cited by Labcorp Genetics (formerly Invitae), Labcorp).